The following is an entry in ClinVar:

ClinVar aggregate classification (germline): Uncertain significance (1 of 4 stars; one submission).

Conditions:
Alstrom syndrome (ALMS). Identifiers: Orphanet 64, MedGen C0268425, MONDO:0008763, OMIM 203800.

Allele frequency attached by ClinVar (database versions not stated): gnomAD exomes below 0.00001.
gnomAD v4.1: 2 of 1,613,194 alleles (0.00012%); highest among the groups gnomAD compares: East Asian, 0.0045%; no homozygotes.

Submission:

Labcorp Genetics (formerly Invitae), Labcorp
Classification: Uncertain significance for Alstrom syndrome. Last evaluated: 2023-08-17. Review status: criteria provided, single submitter. Criteria: Invitae Variant Classification Sherloc (09022015). Collection method: clinical testing. Allele origin: germline.
Comment: In summary, the available evidence is currently insufficient to determine the role of this variant in disease. Therefore, it has been classified as a Variant of Uncertain Significance. Experimental studies and prediction algorithms are not available or were not evaluated, and the functional significance of this variant is currently unknown. ClinVar contains an entry for this variant (Variation ID: 2123975). This variant has not been reported in the literature in individuals affected with ALMS1-related conditions. This variant is not present in population databases (gnomAD no frequency). This sequence change replaces histidine, which is basic and polar, with tyrosine, which is neutral and polar, at codon 455 of the ALMS1 protein (p.His455Tyr).

NM_001378454.1(ALMS1):c.1360C>T (p.His454Tyr)

Gene: ALMS1 (ALMS1 centrosome and basal body associated protein; plus strand). Cytogenetic location: 2p13.1.
Variant type: single nucleotide variant.
Coding change: c.1360C>T on transcript NM_001378454.1 (MANE Select); coding-DNA position 1360, C replaced by T.
Protein change: p.His454Tyr; replaces histidine 454 with tyrosine.
Molecular consequence: missense variant.
Genome position (GRCh38, 1-based): chr2:73,432,219, C>T. VCF-style: chr2-73432219-C-T. GRCh37 (hg19) VCF-style: chr2-73659347-C-T.
Other names: c.1363C>T, p.His455Tyr (NM_015120.4); short protein forms H455Y, H454Y.
Identifiers: ClinVar variation 2123975 (VCV002123975.4), dbSNP rs1671513692, ClinGen allele CA347262493.
Genomic context (GRCh38, chr2:73,432,219, plus strand): 5'-TCTTTTTCATTTTTATTGCCTTCATTTGTTCCACATAAGCCAACAAGAGAGTCGGAATAT[C>T]ACTCTTCAGATCTCAGAATGTTGAGGATGTCTCCTGACACTGTGCCAAAGGCTCCTAAAC-3'
Protein context (NP_001365383.1, residues 444-464): QRKPTRESEY[His454Tyr]SSDLRMLRMS